The following is an entry in ClinVar:

NM_016169.4(SUFU):c.19A>G (p.Ser7Gly)

Genes: SUFU (SUFU negative regulator of hedgehog signaling; plus strand), LOC130004614 (ATAC-STARR-seq lymphoblastoid silent region 2764; plus strand). Cytogenetic location: 10q24.32.
Variant type: single nucleotide variant.
Coding change: c.19A>G on transcript NM_016169.4 (MANE Select); coding-DNA position 19, A replaced by G.
Protein change: p.Ser7Gly; replaces serine 7 with glycine.
Molecular consequence: missense variant.
Genome position (GRCh38, 1-based): chr10:102,504,171, A>G. VCF-style: chr10-102504171-A-G. GRCh37 (hg19) VCF-style: chr10-104263928-A-G.
Other names: c.19A>G, p.Ser7Gly (NM_001178133.2); c.19A>G (NM_016169.3); short protein forms S7G.
Identifiers: ClinVar variation 1369018 (VCV001369018.9), dbSNP rs2062288510, ClinGen allele CA377886106.
Genomic context (GRCh38, chr10:102,504,171, plus strand): 5'-TTGCCCTCTCCAGTTCCCCCAGTGCCTGCCCTACGCACCCCGATGGCGGAGCTGCGGCCT[A>G]GCGGCGCCCCCGGCCCCACCGCGCCCCCGGCCCCTGGCCCGACTGCCCCCCCGGCCTTCG-3'
Protein context (NP_057253.2, residues 1-17): MAELRP[Ser7Gly]GAPGPTAPPA

ClinVar aggregate classification (germline): Conflicting classifications of pathogenicity. Review status: criteria provided, conflicting classifications (1 of 4 stars). 2 submissions from 2 submitters: Uncertain significance (1); Likely benign (1). Last evaluated 2025-09-17.

Conditions:
Gorlin syndrome. Also called: Basal cell nevus syndrome; Nevoid Basal Cell Carcinoma Syndrome. Identifiers: Orphanet 377, MedGen C0004779, MONDO:0007187.
Medulloblastoma (MDB). Also called: MEDULLOBLASTOMA PREDISPOSITION SYNDROME; Medulloblastoma, somatic. Identifiers: Orphanet 616, MedGen C0025149, MeSH D008527, MONDO:0007959, OMIM 155255, HP:0002885.
Hereditary cancer-predisposing syndrome. Also called: Hereditary neoplastic syndrome; Hereditary Cancer Syndrome; Neoplastic Syndromes, Hereditary; Tumor predisposition. Identifiers: Orphanet 140162, MedGen C0027672, MeSH D009386, MONDO:0015356.

Allele frequency attached by ClinVar (database versions not stated): TOPMed below 0.00001.

Submissions (2):

Ambry Genetics
Classification: Likely benign for Hereditary cancer-predisposing syndrome. Last evaluated: 2025-09-17. Review status: criteria provided, single submitter. Criteria: Ambry Variant Classification Scheme 2023. Collection method: clinical testing. Allele origin: germline.

Labcorp Genetics (formerly Invitae), Labcorp
Classification: Uncertain significance for Gorlin syndrome; Medulloblastoma. Last evaluated: 2021-07-01. Review status: criteria provided, single submitter. Criteria: Invitae Variant Classification Sherloc (09022015). Collection method: clinical testing. Allele origin: germline.
Comment: In summary, the available evidence is currently insufficient to determine the role of this variant in disease. Therefore, it has been classified as a Variant of Uncertain Significance. Algorithms developed to predict the effect of missense changes on protein structure and function (SIFT, PolyPhen-2, Align-GVGD) all suggest that this variant is likely to be tolerated. This variant has not been reported in the literature in individuals affected with SUFU-related conditions. The frequency data for this variant in the population databases is considered unreliable, as metrics indicate insufficient coverage at this position in the ExAC database. This sequence change replaces serine with glycine at codon 7 of the SUFU protein (p.Ser7Gly). The serine residue is moderately conserved and there is a small physicochemical difference between serine and glycine.